The following is an entry in ClinVar:

ClinVar aggregate classification (germline): Likely benign. Review status: criteria provided, multiple submitters, no conflicts (2 of 4 stars). 2 submissions from 2 submitters: Likely benign (2). Last evaluated 2025-12-17.

Conditions:
PEX16-related disorder. Also called: PEX16-related condition.
Peroxisome biogenesis disorder. Identifiers: Orphanet 79189, MedGen C1832200, MONDO:0019234. Disease mechanism: loss of function.

Allele frequency attached by ClinVar (database versions not stated): ExAC below 0.00001; gnomAD 0.00001; gnomAD exomes 0.00001; TOPMed 0.00002; ESP Exome Variant Server 0.00008.
gnomAD v4.1: 22 of 1,551,194 alleles (0.0014%); highest among the groups gnomAD compares: Admixed American, 0.0019%; no homozygotes.

Submissions (2):

Labcorp Genetics (formerly Invitae), Labcorp
Classification: Likely benign for Peroxisome biogenesis disorder. Last evaluated: 2025-12-17. Review status: criteria provided, single submitter. Criteria: Invitae Variant Classification Sherloc (09022015). Collection method: clinical testing. Allele origin: germline.

PreventionGenetics, part of Exact Sciences
Classification: Likely benign for PEX16-related condition. Last evaluated: 2024-12-09. Review status: criteria provided, single submitter. Criteria: ACMG Guidelines, 2015. Collection method: clinical testing. Allele origin: germline.
Comment: This variant is classified as likely benign based on ACMG/AMP sequence variant interpretation guidelines (Richards et al. 2015 PMID: 25741868, with internal and published modifications).

NM_004813.4(PEX16):c.42C>T (p.Tyr14=)

Gene: PEX16 (peroxisomal biogenesis factor 16; minus strand). Cytogenetic location: 11p11.2.
Variant type: single nucleotide variant.
Coding change: c.42C>T on transcript NM_004813.4 (MANE Select); coding-DNA position 42, C replaced by T.
Protein change: p.Tyr14=; no amino-acid change (tyrosine 14 retained).
Molecular consequence: synonymous variant.
Genome position (GRCh38, 1-based): chr11:45,917,770, G>A on the plus strand (C>T on the coding strand, the complement: PEX16 is on the minus strand). VCF-style: chr11-45917770-G-A. GRCh37 (hg19) VCF-style: chr11-45939321-G-A.
Other names: c.42C>T, p.Tyr14= (NM_057174.3).
Identifiers: ClinVar variation 739337 (VCV000739337.12), dbSNP rs376366140, ClinGen allele CA5960130.
Genomic context (GRCh38, chr11:45,917,770, plus strand): 5'-GTAACTGAAGCCCCGCACTGCTGTCTCCAGCTGGGCCGTGGCGGCCGGGTGACGAGTCAC[G>A]TACTCCTGGTAGCGGAGGCCCAGGAGCCGCAGCTTCTCCATCCTGCCCTCGGCACCGACA-3'
Protein context (NP_004804.2, residues 4-24): LRLLGLRYQE[Tyr14=]VTRHPAATAQ